The following is an entry in ClinVar:

NM_018972.4(GDAP1):c.1037G>A (p.Ser346Asn)

Gene: GDAP1 (ganglioside induced differentiation associated protein 1; plus strand). Cytogenetic location: 8q21.11.
Variant type: single nucleotide variant.
Coding change: c.1037G>A on transcript NM_018972.4 (MANE Select); coding-DNA position 1037, G replaced by A.
Protein change: p.Ser346Asn; replaces serine 346 with asparagine.
Molecular consequence: missense variant. On other transcripts: intron variant (1).
Genome position (GRCh38, 1-based): chr8:74,364,327, G>A. VCF-style: chr8-74364327-G-A. GRCh37 (hg19) VCF-style: chr8-75276562-G-A.
Other names: c.833G>A, p.Ser278Asn (NM_001040875.4); c.710G>A, p.Ser237Asn (NM_001362929.2, NM_001362932.2); c.863G>A, p.Ser288Asn (NM_001362930.2); c.694+1274G>A (NM_001362931.2); short protein forms S346N, S278N, S288N, S237N.
Identifiers: ClinVar variation 573443 (VCV000573443.10), dbSNP rs1380854548, ClinGen allele CA371550791.

ClinVar aggregate classification (germline): Uncertain significance (1 of 4 stars; one submission).

Conditions:
Charcot-Marie-Tooth disease type 4A. Also called: Charcot-Marie-Tooth disease, demyelinating, autosomal recessive, type 4a. Identifiers: Orphanet 99948, MedGen C1859198, MONDO:0008961, OMIM 214400.

gnomAD v4.1: 2 of 1,614,024 alleles (0.00012%); highest among the groups gnomAD compares: Middle Eastern, 0.033%; no homozygotes.

Submission:

Labcorp Genetics (formerly Invitae), Labcorp
Classification: Uncertain significance for Charcot-Marie-Tooth disease type 4A. Last evaluated: 2019-06-13. Review status: criteria provided, single submitter. Criteria: Invitae Variant Classification Sherloc (09022015). Collection method: clinical testing. Allele origin: germline.
Comment: In summary, the available evidence is currently insufficient to determine the role of this variant in disease. Therefore, it has been classified as a Variant of Uncertain Significance. Algorithms developed to predict the effect of missense changes on protein structure and function output the following: SIFT: "Tolerated"; PolyPhen-2: "Benign"; Align-GVGD: "Class C0". The asparagine amino acid residue is found in multiple mammalian species, suggesting that this missense change does not adversely affect protein function. These predictions have not been confirmed by published functional studies and their clinical significance is uncertain. This variant has not been reported in the literature in individuals with GDAP1-related conditions. ClinVar contains an entry for this variant (Variation ID: 573443). This variant is not present in population databases (ExAC no frequency). This sequence change replaces serine with asparagine at codon 346 of the GDAP1 protein (p.Ser346Asn). The serine residue is moderately conserved and there is a small physicochemical difference between serine and asparagine.